The following is an entry in ClinVar:

ClinVar aggregate classification (germline): Uncertain significance (1 of 4 stars; one submission).

Conditions:
Polyglucosan body myopathy type 1 (PGBM1). Also called: POLYGLUCOSAN BODY MYOPATHY WITHOUT IMMUNODEFICIENCY; Polyglucosan body myopathy 1 with or without immunodeficiency. Identifiers: Orphanet 329173, Orphanet 397937, MedGen C4014605, MONDO:0014389, OMIM 615895.

Submission:

Labcorp Genetics (formerly Invitae), Labcorp
Classification: Uncertain significance for Polyglucosan body myopathy type 1. Last evaluated: 2021-06-24. Review status: criteria provided, single submitter. Criteria: Invitae Variant Classification Sherloc (09022015). Collection method: clinical testing. Allele origin: germline.
Comment: This variant has not been reported in the literature in individuals with RBCK1-related conditions. In summary, the available evidence is currently insufficient to determine the role of this variant in disease. Therefore, it has been classified as a Variant of Uncertain Significance. Experimental studies and prediction algorithms are not available or were not evaluated, and the functional significance of this variant is currently unknown. This variant is not present in population databases (ExAC no frequency). This variant, c.706_708dup, results in the insertion of 1 amino acid(s) to the RBCK1 protein (p.Glu236dup), but otherwise preserves the integrity of the reading frame.

NM_031229.4(RBCK1):c.700GAG[4] (p.Glu236dup)

Gene: RBCK1 (RANBP2-type and C3HC4-type zinc finger containing 1; plus strand). Cytogenetic location: 20p13.
Variant type: Microsatellite.
Coding change: c.700GAG[4] on transcript NM_031229.4 (MANE Select); four copies in a row of the 3-base unit GAG starting at c.700; the reference has three copies in a row; one copy, 3 bases duplicated.
Protein change: p.Glu236dup; duplicates glutamic acid 236.
Molecular consequence: inframe insertion. On other transcripts: non-coding transcript variant (1).
Genome position (GRCh38, 1-based): chr20:419,681-419,683, GAG duplicated; duplicating any 3 consecutive bases within chr20:419,675-419,683 gives the same sequence; the position shown is the placement nearest the transcript's 3' end. VCF-style (leftmost placement, unchanged base first): chr20-419674-C-CGAG. GRCh37 (hg19) VCF-style: chr20-400318-C-CGAG.
Other names: c.351GAG[4], p.Arg119dup (NM_001323956.2, NM_001323958.2); c.574GAG[4], p.Glu194dup (NM_006462.6).
Identifiers: ClinVar variation 1363586 (VCV001363586.8), dbSNP rs2016252024, ClinGen allele CA1014642820.
Genomic context (GRCh38, chr20:419,674, plus strand): 5'-TGAGATGTGCTGCCGGGCGCGCCCCGAGGCCTACCAGGTCCCCGCCTCATACCAGCCCGA[C>CGAG]GAGGAGGAGCGAGCGCGCCTGGCGGGCGAGGAGGAGGCGCTGCGTCAGTACCAGCAGGTG-3'